The following is an entry in ClinVar:

ClinVar aggregate classification (germline): Likely benign. Review status: criteria provided, multiple submitters, no conflicts (2 of 4 stars). 3 submissions from 3 submitters: Likely benign (2). 1 of the submissions does not count toward it. Last evaluated 2024-11-10.

Conditions:
Familial hypocalciuric hypercalcemia (FHH). Also called: Familial benign hypercalcemia. Identifiers: Orphanet 405, MedGen C1809471, MONDO:0018458.
Autosomal dominant hypocalcemia 1 (HYPOC1). Also called: HYPOCALCEMIA, FAMILIAL. Identifiers: MedGen C3715128, MONDO:0011013, OMIM 601198.
CASR-related disorder. Also called: CASR-related condition.
Nephrolithiasis/nephrocalcinosis. Identifiers: MedGen CN580796.

Allele frequency attached by ClinVar (database versions not stated): gnomAD 0.00001; TOPMed 0.00001; gnomAD exomes 0.00002; ExAC 0.00003.
gnomAD v4.1: 11 of 1,613,994 alleles (0.00068%); highest among the groups gnomAD compares: Admixed American, 0.0033%; no homozygotes.

Submissions (3):

Labcorp Genetics (formerly Invitae), Labcorp
Classification: Likely benign for Familial hypocalciuric hypercalcemia; Autosomal dominant hypocalcemia 1. Last evaluated: 2024-11-10. Review status: criteria provided, single submitter. Criteria: Invitae Variant Classification Sherloc (09022015). Collection method: clinical testing. Allele origin: germline.

Ambry Genetics
Classification: Likely benign for Nephrolithiasis/nephrocalcinosis. Last evaluated: 2019-09-04. Review status: criteria provided, single submitter. Criteria: Ambry Variant Classification Scheme 2023. Collection method: clinical testing. Allele origin: germline.

PreventionGenetics, part of Exact Sciences
Classification: Likely benign for CASR-related condition. Last evaluated: 2022-04-05. Review status: no assertion criteria provided. Collection method: clinical testing. Allele origin: germline. Not counted in ClinVar's aggregate classification.
Comment: This variant is classified as likely benign based on ACMG/AMP sequence variant interpretation guidelines (Richards et al. 2015 PMID: 25741868, with internal and published modifications).

NM_000388.4(CASR):c.1281T>C (p.Ile427=)

Gene: CASR (calcium sensing receptor; plus strand). Cytogenetic location: 3q21.1.
Variant type: single nucleotide variant.
Coding change: c.1281T>C on transcript NM_000388.4 (MANE Select); coding-DNA position 1281, T replaced by C.
Protein change: p.Ile427=; no amino-acid change (isoleucine 427 retained).
Molecular consequence: synonymous variant.
Genome position (GRCh38, 1-based): chr3:122,262,316, T>C. VCF-style: chr3-122262316-T-C. GRCh37 (hg19) VCF-style: chr3-121981163-T-C.
Other names: c.1281T>C (NM_001178065.1); c.1281T>C, p.Ile427= (NM_001178065.2).
Identifiers: ClinVar variation 767369 (VCV000767369.15), dbSNP rs771741512, ClinGen allele CA2569616.
Genomic context (GRCh38, chr3:122,262,316, plus strand): 5'-TTACATAGATTACACGCATTTACGGATATCCTACAATGTGTACTTAGCAGTCTACTCCAT[T>C]GCCCACGCCTTGCAAGATATATATACCTGCTTACCTGGGAGAGGGCTCTTCACCAATGGC-3'
Protein context (NP_000379.3, residues 417-437): SYNVYLAVYS[Ile427=]AHALQDIYTC